The following is an entry in ClinVar:

ClinVar aggregate classification (germline): Uncertain significance (1 of 4 stars; one submission).

gnomAD v4.1: 2 of 1,613,950 alleles (0.00012%); highest among the groups gnomAD compares: Non-Finnish European, 0.00017%; no homozygotes.

Submission:

Women's Health and Genetics/Laboratory Corporation of America, LabCorp
Classification: Uncertain significance. Last evaluated: 2025-11-20. Review status: criteria provided, single submitter. Criteria: LabCorp Variant Classification Summary - May 2015. Collection method: clinical testing. Allele origin: germline.
Comment: Variant summary: CTSC c.814C>G (p.Arg272Gly) results in a non-conservative amino acid change in the encoded protein sequence. Algorithms developed to predict the effect of missense changes on protein structure and function all suggest that this variant is likely to be disruptive. The variant allele was found at a frequency of 8e-06 in 251434 control chromosomes. To our knowledge, no occurrence of c.814C>G in individuals affected with CTSC-related conditions and no experimental evidence demonstrating its impact on protein function have been reported. Other variants affecting the same codon have been classified as pathogenic/likely pathogenic (p.Arg272His, p.Arg272Pro), supporting the critical relevance of codon 272 to CTSC function. No submitters have cited clinical-significance assessments for this variant to ClinVar. Based on the evidence outlined above, the variant was classified as VUS-possibly pathogenic.

NM_001814.6(CTSC):c.814C>G (p.Arg272Gly)

Gene: CTSC (cathepsin C; minus strand). Cytogenetic location: 11q14.2.
Variant type: single nucleotide variant.
Coding change: c.814C>G on transcript NM_001814.6 (MANE Select); coding-DNA position 814, C replaced by G.
Protein change: p.Arg272Gly; replaces arginine 272 with glycine.
Molecular consequence: missense variant.
Genome position (GRCh38, 1-based): chr11:88,296,208, G>C on the plus strand (C>G on the coding strand, the complement: CTSC is on the minus strand). VCF-style: chr11-88296208-G-C. GRCh37 (hg19) VCF-style: chr11-88029376-G-C.
Other names: short protein forms R272G.
Identifiers: ClinVar variation 4537287 (VCV004537287.1).